The following is an entry in ClinVar:

ClinVar aggregate classification (germline): Uncertain significance (1 of 4 stars; one submission).

Submission:

GeneDx
Classification: Uncertain significance. Last evaluated: 2026-02-10. Review status: criteria provided, single submitter. Criteria: GeneDx Variant Classification Process June 2021. Collection method: clinical testing. Allele origin: germline.
Comment: Not observed at significant frequency in large population cohorts (gnomAD); In silico analysis suggests that this missense variant does not alter protein structure/function; Has not been previously published as pathogenic or benign to our knowledge

NM_005629.4(SLC6A8):c.174G>C (p.Gln58His)

Gene: SLC6A8 (solute carrier family 6 member 8; plus strand). Cytogenetic location: Xq28.
Variant type: single nucleotide variant.
Coding change: c.174G>C on transcript NM_005629.4 (MANE Select); coding-DNA position 174, G replaced by C.
Protein change: p.Gln58His; replaces glutamine 58 with histidine.
Molecular consequence: missense variant.
Genome position (GRCh38, 1-based): chrX:153,688,748, G>C. VCF-style: chrX-153688748-G-C. GRCh37 (hg19) VCF-style: chrX-152954203-G-C.
Other names: c.174G>C, p.Gln58His (NM_001142805.2); short protein forms Q58H.
Identifiers: ClinVar variation 4976426 (VCV004976426.1).